The following is an entry in ClinVar:

NM_001267550.2(TTN):c.72723C>G (p.Val24241=)

Genes: TTN (titin; minus strand), TTN-AS1 (TTN antisense RNA 1; plus strand). Cytogenetic location: 2q31.2.
Variant type: single nucleotide variant.
Coding change: c.72723C>G on transcript NM_001267550.2 (MANE Select); coding-DNA position 72723, C replaced by G.
Protein change: p.Val24241=; no amino-acid change (valine 24241 retained).
Molecular consequence: synonymous variant.
Genome position (GRCh38, 1-based): chr2:178,573,409, G>C on the plus strand (C>G on the coding strand, the complement: TTN is on the minus strand). VCF-style: chr2-178573409-G-C. GRCh37 (hg19) VCF-style: chr2-179438136-G-C.
Other names: c.67800C>G, p.Val22600= (NM_001256850.1); c.45528C>G, p.Val15176= (NM_003319.4); c.65019C>G, p.Val21673= (NM_133378.4); c.45903C>G, p.Val15301= (NM_133432.3); c.46104C>G, p.Val15368= (NM_133437.4).
Identifiers: ClinVar variation 282004 (VCV000282004.28), dbSNP rs372701206, ClinGen allele CA1990462.

ClinVar aggregate classification (germline): Conflicting classifications of pathogenicity. Review status: criteria provided, conflicting classifications (1 of 4 stars). 12 submissions from 12 submitters: Uncertain significance (1); Likely benign (7). 4 of the submissions do not count toward it. Last evaluated 2026-01-29.

Conditions:
TTN-related disorder. Also called: TTN-related condition; TTN-related disease; TTN-related disorders.
Cardiovascular phenotype. Identifiers: MedGen CN230736.
Autosomal recessive limb-girdle muscular dystrophy type 2J (LGMDR10). Also called: MUSCULAR DYSTROPHY, LIMB-GIRDLE, AUTOSOMAL RECESSIVE 10; Limb-girdle muscular dystrophy, type 2J. Identifiers: Orphanet 140922, MedGen C1837342, MONDO:0012127, OMIM 608807.
Dilated cardiomyopathy 1G (CMD1G). Identifiers: Orphanet 154, MedGen C1858763, MONDO:0011400, OMIM 604145.

Allele frequency attached by ClinVar (database versions not stated): gnomAD exomes 0.00012 and 0.00019; TOPMed 0.00014; 1000 Genomes Project 30x 0.00016; ExAC 0.00016; 1000 Genomes Project 0.00020; ESP Exome Variant Server 0.00025; gnomAD 0.00032.
gnomAD v4.1: 194 of 1,520,818 alleles (0.013%); highest among the groups gnomAD compares: Non-Finnish European, 0.016%; no homozygotes.

Submissions (12):

PreventionGenetics, part of Exact Sciences
Classification: Likely benign for TTN-related condition. Last evaluated: 2026-01-29. Review status: criteria provided, single submitter. Criteria: ACMG Guidelines, 2015. Collection method: clinical testing. Allele origin: germline.
Comment: This variant is classified as likely benign based on ACMG/AMP sequence variant interpretation guidelines (Richards et al. 2015 PMID: 25741868, with internal and published modifications).

Labcorp Genetics (formerly Invitae), Labcorp
Classification: Likely benign for Dilated cardiomyopathy 1G; Autosomal recessive limb-girdle muscular dystrophy type 2J. Last evaluated: 2026-01-19. Review status: criteria provided, single submitter. Criteria: Invitae Variant Classification Sherloc (09022015). Collection method: clinical testing. Allele origin: germline.

Women's Health and Genetics/Laboratory Corporation of America, LabCorp
Classification: Likely benign. Last evaluated: 2025-10-07. Review status: criteria provided, single submitter. Criteria: LabCorp Variant Classification Summary - May 2015. Collection method: clinical testing. Allele origin: germline.

Molecular Diagnostic Laboratory for Inherited Cardiovascular Disease, Montreal Heart Institute
Classification: Likely benign. Last evaluated: 2025-04-09. Review status: criteria provided, single submitter. Criteria: ACMG Guidelines, 2015. Collection method: clinical testing. Allele origin: germline. Affected: no.

Blueprint Genetics
Classification: Likely benign. Last evaluated: 2024-11-01. Review status: criteria provided, single submitter. Criteria: ACMG Guidelines, 2015. Collection method: clinical testing. Allele origin: germline.

GeneDx
Classification: Likely benign. Last evaluated: 2020-06-30. Review status: criteria provided, single submitter. Criteria: GeneDx Variant Classification Process June 2021. Collection method: clinical testing. Allele origin: germline. Affected: yes.

Ambry Genetics
Classification: Likely benign for Cardiovascular phenotype. Last evaluated: 2019-07-11. Review status: criteria provided, single submitter. Criteria: Ambry Variant Classification Scheme 2023. Collection method: clinical testing. Allele origin: germline.

Eurofins Ntd Llc (ga)
Classification: Uncertain significance. Last evaluated: 2015-07-16. Review status: criteria provided, single submitter. Criteria: EGL Classification Definitions 2015. Collection method: clinical testing. Allele origin: germline. Observed: 2 variant alleles, 2 heterozygotes.

Clinical Genetics DNA and cytogenetics Diagnostics Lab, Erasmus MC, Erasmus Medical Center
Classification: Likely benign. Review status: no assertion criteria provided. Collection method: clinical testing. Allele origin: germline. Affected: yes. Study: VKGL Data-share Consensus. Not counted in ClinVar's aggregate classification.

Clinical Genetics, Academic Medical Center
Classification: Benign. Review status: no assertion criteria provided. Collection method: clinical testing. Allele origin: germline. Affected: yes. Study: VKGL Data-share Consensus. Not counted in ClinVar's aggregate classification.

Genome Diagnostics Laboratory, University Medical Center Utrecht
Classification: Likely benign. Review status: no assertion criteria provided. Collection method: clinical testing. Allele origin: germline. Affected: yes. Study: VKGL Data-share Consensus. Not counted in ClinVar's aggregate classification.

Joint Genome Diagnostic Labs from Nijmegen and Maastricht, Radboudumc and MUMC+
Classification: Likely benign. Review status: no assertion criteria provided. Collection method: clinical testing. Allele origin: germline. Affected: yes. Study: VKGL Data-share Consensus. Not counted in ClinVar's aggregate classification.